The following is an entry in ClinVar:

ClinVar aggregate classification (germline): Uncertain significance (1 of 4 stars; one submission).

gnomAD v4.1: 2 of 1,613,190 alleles (0.00012%); highest among the groups gnomAD compares: African/African-American, 0.0013%; no homozygotes.

Submission:

Labcorp Genetics (formerly Invitae), Labcorp
Classification: Uncertain significance. Last evaluated: 2025-09-14. Review status: criteria provided, single submitter. Criteria: Invitae Variant Classification Sherloc (09022015). Collection method: clinical testing. Allele origin: germline.
Comment: This sequence change replaces threonine, which is neutral and polar, with isoleucine, which is neutral and non-polar, at codon 2170 of the SON protein (p.Thr2170Ile). This variant is present in population databases (no rsID available, gnomAD 0.007%). This variant has not been reported in the literature in individuals affected with SON-related conditions. ClinVar contains an entry for this variant (Variation ID: 3621268). Experimental studies and prediction algorithms are not available or were not evaluated, and the functional significance of this variant is currently unknown. In summary, the available evidence is currently insufficient to determine the role of this variant in disease. Therefore, it has been classified as a Variant of Uncertain Significance.

NM_138927.4(SON):c.6509C>T (p.Thr2170Ile)

Gene: SON (SON DNA and RNA binding protein; plus strand). Cytogenetic location: 21q22.11.
Variant type: single nucleotide variant.
Coding change: c.6509C>T on transcript NM_138927.4 (MANE Select); coding-DNA position 6509, C replaced by T.
Protein change: p.Thr2170Ile; replaces threonine 2170 with isoleucine.
Molecular consequence: missense variant. On other transcripts: non-coding transcript variant (1).
Genome position (GRCh38, 1-based): chr21:33,559,627, C>T. VCF-style: chr21-33559627-C-T. GRCh37 (hg19) VCF-style: chr21-34931933-C-T.
Other names: c.593C>T, p.Thr198Ile (NM_001291412.3); c.6509C>T, p.Thr2170Ile (NM_032195.3); short protein forms T198I, T2170I.
Identifiers: ClinVar variation 3621268 (VCV003621268.2).